The following is an entry in ClinVar:

ClinVar aggregate classification (germline): Uncertain significance (1 of 4 stars; one submission).

Conditions:
Hereditary cancer-predisposing syndrome. Also called: Neoplastic Syndromes, Hereditary; Tumor predisposition; Hereditary neoplastic syndrome; Hereditary Cancer Syndrome. Identifiers: Orphanet 140162, MedGen C0027672, MeSH D009386, MONDO:0015356.

Submission:

Ambry Genetics
Classification: Uncertain significance for Hereditary cancer-predisposing syndrome. Last evaluated: 2024-01-05. Review status: criteria provided, single submitter. Criteria: Ambry Variant Classification Scheme 2023. Collection method: clinical testing. Allele origin: germline.
Comment: The p.P1402L variant (also known as c.4205C>T), located in coding exon 23 of the PTCH1 gene, results from a C to T substitution at nucleotide position 4205. The proline at codon 1402 is replaced by leucine, an amino acid with similar properties. This amino acid position is not well conserved in available vertebrate species. In addition, this alteration is predicted to be tolerated by in silico analysis. Since supporting evidence is limited at this time, the clinical significance of this alteration remains unclear.

NM_000264.5(PTCH1):c.4205C>T (p.Pro1402Leu)

Gene: PTCH1 (patched 1; minus strand). Cytogenetic location: 9q22.32.
Variant type: single nucleotide variant.
Coding change: c.4205C>T on transcript NM_000264.5 (MANE Select); coding-DNA position 4205, C replaced by T.
Protein change: p.Pro1402Leu; replaces proline 1402 with leucine.
Molecular consequence: missense variant. On other transcripts: non-coding transcript variant (1).
Genome position (GRCh38, 1-based): chr9:95,447,051, G>A on the plus strand (C>T on the coding strand, the complement: PTCH1 is on the minus strand). VCF-style: chr9-95447051-G-A. GRCh37 (hg19) VCF-style: chr9-98209333-G-A.
Other names: c.4007C>T, p.Pro1336Leu (NM_001083602.3); c.4202C>T, p.Pro1401Leu (NM_001083603.3); c.3752C>T, p.Pro1251Leu (NM_001083604.3, NM_001083605.3, NM_001083606.3 and 1 more transcripts); c.4049C>T, p.Pro1350Leu (NM_001354918.2); short protein forms P1251L, P1336L, P1350L, P1401L, P1402L.
Identifiers: ClinVar variation 3231045 (VCV003231045.1), dbSNP rs2136573379, ClinGen allele CA374110120.
Genomic context (GRCh38, chr9:95,447,051, plus strand): 5'-CTCTCACACCGGACGTGGAAAGGCACGTGGGGGTCCTCAAACAGGCCGTGGTCAGTCTCA[G>A]GGTAGCCTGGGCAGAGTCCCCCTCGGGGGTTCCGCCCAGGCCCAGGGACAGGCGGCGGGT-3'
Protein context (NP_000255.2, residues 1392-1412): NPRGGLCPGY[Pro1402Leu]ETDHGLFEDP